The following is an entry in ClinVar:

NM_012473.4(TXN2):c.294G>A (p.Pro98=)

Gene: TXN2 (thioredoxin 2; minus strand). Cytogenetic location: 22q12.3.
Variant type: single nucleotide variant.
Coding change: c.294G>A on transcript NM_012473.4 (MANE Select); coding-DNA position 294, G replaced by A.
Protein change: p.Pro98=; no amino-acid change (proline 98 retained).
Molecular consequence: synonymous variant.
Genome position (GRCh38, 1-based): chr22:36,476,826, C>T on the plus strand (G>A on the coding strand, the complement: TXN2 is on the minus strand). VCF-style: chr22-36476826-C-T. GRCh37 (hg19) VCF-style: chr22-36872873-C-T.
Identifiers: ClinVar variation 774540 (VCV000774540.41), dbSNP rs150502647, ClinGen allele CA10210847.

ClinVar aggregate classification (germline): Benign/Likely benign. Review status: criteria provided, multiple submitters, no conflicts (2 of 4 stars). 5 submissions from 5 submitters: Benign (2); Likely benign (2). 1 of the submissions does not count toward it. Last evaluated 2026-01-26.

Conditions:
TXN2-related disorder. Also called: TXN2-related condition.
Combined oxidative phosphorylation deficiency 29 (COXPD29). Also called: Combined oxidative phosphorylation defect type 29. Identifiers: Orphanet 478029, MedGen C5567607, MONDO:0014781, OMIM 616811.

Allele frequency attached by ClinVar (database versions not stated): 1000 Genomes Project 30x 0.00453; 1000 Genomes Project 0.00479; TOPMed 0.00567; gnomAD 0.00588; gnomAD exomes 0.00635 and 0.00758; ExAC 0.00668; ESP Exome Variant Server 0.00669.

Submissions (5):

Labcorp Genetics (formerly Invitae), Labcorp
Classification: Benign. Last evaluated: 2026-01-26. Review status: criteria provided, single submitter. Criteria: Invitae Variant Classification Sherloc (09022015). Collection method: clinical testing. Allele origin: germline.

CeGaT Center for Human Genetics Tuebingen
Classification: Likely benign. Last evaluated: 2025-12-01. Review status: criteria provided, single submitter. Criteria: CeGaT Center For Human Genetics Tuebingen Variant Classification Criteria Version 2. Collection method: clinical testing. Allele origin: germline. Affected: yes. Observed: 22 variant alleles.
Comment: TXN2: BP4, BP7, BS2

Fulgent Genetics
Classification: Likely benign for Combined oxidative phosphorylation deficiency 29. Last evaluated: 2021-10-05. Review status: criteria provided, single submitter. Criteria: ACMG Guidelines, 2015. Collection method: clinical testing. Allele origin: unknown.

Breakthrough Genomics
Classification: Benign. Review status: criteria provided, single submitter. Criteria: ACMG Guidelines, 2015. Collection method: not provided. Allele origin: germline. Inheritance: Autosomal recessive inheritance. Affected: yes.

PreventionGenetics, part of Exact Sciences
Classification: Benign for TXN2-related condition. Last evaluated: 2020-01-13. Review status: no assertion criteria provided. Collection method: clinical testing. Allele origin: germline. Not counted in ClinVar's aggregate classification.
Comment: This variant is classified as benign based on ACMG/AMP sequence variant interpretation guidelines (Richards et al. 2015 PMID: 25741868, with internal and published modifications).